The following is an entry in ClinVar:

ClinVar aggregate classification (germline): Uncertain significance (1 of 4 stars; one submission).

Submission:

Labcorp Genetics (formerly Invitae), Labcorp
Classification: Uncertain significance. Last evaluated: 2022-02-25. Review status: criteria provided, single submitter. Criteria: Invitae Variant Classification Sherloc (09022015). Collection method: clinical testing. Allele origin: germline.
Comment: A gross deletion of the genomic region encompassing the full coding sequence of the COX6A1 gene has been identified. The current clinical and genetic evidence is not sufficient to establish whether loss-of-function variants in COX6A1 cause disease. The boundaries of this event are unknown as they extend beyond the assayed region for this gene and therefore may encompass additional genes. This variant has not been reported in the literature in individuals affected with COX6A1-related conditions. In summary, the available evidence is currently insufficient to determine the role of this variant in disease. Therefore, it has been classified as a Variant of Uncertain Significance.

NC_000012.11:g.(?_120875930)_(120878340_?)del

Gene: COX6A1 (cytochrome c oxidase subunit 6A1; plus strand). Cytogenetic location: 12q24.31.
Variant type: Deletion.
Identifiers: ClinVar variation 2425090 (VCV002425090.1).